The following is an entry in ClinVar:

ClinVar aggregate classification (germline): Likely pathogenic (1 of 4 stars; one submission).

Conditions:
Hyperkalemic periodic paralysis. Also called: Familial hyperkalemic periodic paralysis; Gamstorp disease. Identifiers: Orphanet 682, MedGen C0238357, MONDO:0008224, OMIM 170500, HP:0007215.

Submission:

Labcorp Genetics (formerly Invitae), Labcorp
Classification: Likely pathogenic for Hyperkalemic periodic paralysis. Last evaluated: 2023-06-14. Review status: criteria provided, single submitter. Criteria: Invitae Variant Classification Sherloc (09022015). Collection method: clinical testing. Allele origin: germline.
Comment: In summary, the currently available evidence indicates that the variant is pathogenic, but additional data are needed to prove that conclusively. Therefore, this variant has been classified as Likely Pathogenic. Algorithms developed to predict the effect of sequence changes on RNA splicing suggest that this variant may disrupt the consensus splice site. This variant has not been reported in the literature in individuals affected with SCN4A-related conditions. This variant is not present in population databases (gnomAD no frequency). This sequence change affects a donor splice site in intron 10 of the SCN4A gene. It is expected to disrupt RNA splicing. Variants that disrupt the donor or acceptor splice site typically lead to a loss of protein function (PMID: 16199547), and loss-of-function variants in SCN4A are known to be pathogenic (PMID: 26700687).

Literature cited by the submitters: PubMed 16199547; PubMed 26700687.

NM_000334.4(SCN4A):c.1606+1G>C

Gene: SCN4A (sodium voltage-gated channel alpha subunit 4; minus strand). Cytogenetic location: 17q23.3.
Variant type: single nucleotide variant.
Coding change: c.1606+1G>C on transcript NM_000334.4 (MANE Select); the canonical splice donor site of the intron after coding-DNA position 1606, G replaced by C.
Molecular consequence: splice donor variant.
Genome position (GRCh38, 1-based): chr17:63,963,671, C>G on the plus strand (G>C on the coding strand, the complement: SCN4A is on the minus strand). VCF-style: chr17-63963671-C-G. GRCh37 (hg19) VCF-style: chr17-62041031-C-G.
Identifiers: ClinVar variation 2714536 (VCV002714536.3), dbSNP rs2509313987, ClinGen allele CA400634399.